The following is an entry in ClinVar:

ClinVar aggregate classification (germline): Uncertain significance. Review status: criteria provided, multiple submitters, no conflicts (2 of 4 stars). 2 submissions from 2 submitters: Uncertain significance (2). Last evaluated 2025-11-20.

Conditions:
Inborn genetic diseases. Identifiers: MedGen C0950123, MeSH D030342.
Congenital myasthenic syndrome 8. Also called: Myasthenic syndrome, congenital, 8, with pre- and postsynaptic defects; MYASTHENIC SYNDROME, CONGENITAL, DUE TO AGRIN DEFICIENCY. Identifiers: Orphanet 590, MedGen C3808739, MONDO:0014052, OMIM 615120.

Allele frequency attached by ClinVar (database versions not stated): gnomAD exomes 0.00003 and 0.00002; gnomAD 0.00001; TOPMed 0.00001.
gnomAD v4.1: 37 of 1,547,422 alleles (0.0024%); highest among the groups gnomAD compares: Non-Finnish European, 0.0032%; no homozygotes.

Submissions (2):

Ambry Genetics
Classification: Uncertain significance for Inborn genetic diseases. Last evaluated: 2025-11-20. Review status: criteria provided, single submitter. Criteria: Ambry Variant Classification Scheme 2023. Collection method: clinical testing. Allele origin: germline.

Labcorp Genetics (formerly Invitae), Labcorp
Classification: Uncertain significance for Congenital myasthenic syndrome 8. Last evaluated: 2021-08-26. Review status: criteria provided, single submitter. Criteria: Invitae Variant Classification Sherloc (09022015). Collection method: clinical testing. Allele origin: germline.
Comment: This sequence change replaces proline with arginine at codon 185 of the AGRN protein (p.Pro185Arg). The proline residue is moderately conserved and there is a moderate physicochemical difference between proline and arginine. The frequency data for this variant in the population databases is considered unreliable, as metrics indicate insufficient coverage at this position in the ExAC database. This variant has not been reported in the literature in individuals affected with AGRN-related conditions. Algorithms developed to predict the effect of missense changes on protein structure and function are either unavailable or do not agree on the potential impact of this missense change (SIFT: "Tolerated"; PolyPhen-2: "Possibly Damaging"; Align-GVGD: "Class C0"). In summary, the available evidence is currently insufficient to determine the role of this variant in disease. Therefore, it has been classified as a Variant of Uncertain Significance.

NM_198576.4(AGRN):c.554C>G (p.Pro185Arg)

Gene: AGRN (agrin; plus strand). Cytogenetic location: 1p36.33.
Variant type: single nucleotide variant.
Coding change: c.554C>G on transcript NM_198576.4 (MANE Select); coding-DNA position 554, C replaced by G.
Protein change: p.Pro185Arg; replaces proline 185 with arginine.
Molecular consequence: missense variant.
Genome position (GRCh38, 1-based): chr1:1,040,707, C>G. VCF-style: chr1-1040707-C-G. GRCh37 (hg19) VCF-style: chr1-976087-C-G.
Other names: c.554C>G (NM_198576.3); c.554C>G, p.Pro185Arg (NM_001305275.2); c.239C>G, p.Pro80Arg (NM_001364727.2); short protein forms P80R, P185R.
Identifiers: ClinVar variation 1415444 (VCV001415444.6), dbSNP rs1439165940, ClinGen allele CA337821669.